The following is an entry in ClinVar:

NM_004448.4(ERBB2):c.1172C>T (p.Pro391Leu)

Gene: ERBB2 (erb-b2 receptor tyrosine kinase 2; plus strand). Cytogenetic location: 17q12.
Variant type: single nucleotide variant.
Coding change: c.1172C>T on transcript NM_004448.4 (MANE Select); coding-DNA position 1172, C replaced by T.
Protein change: p.Pro391Leu; replaces proline 391 with leucine.
Molecular consequence: missense variant. On other transcripts: non-coding transcript variant (1).
Genome position (GRCh38, 1-based): chr17:39,715,309, C>T. VCF-style: chr17-39715309-C-T. GRCh37 (hg19) VCF-style: chr17-37871562-C-T.
Other names: c.1082C>T, p.Pro361Leu (NM_001005862.3, NM_001289938.2, NM_001382782.1 and 1 more transcripts); c.1127C>T, p.Pro376Leu (NM_001289936.2); c.1172C>T, p.Pro391Leu (NM_001289937.2, NM_001382785.1, NM_001382788.1 and 14 more transcripts); c.1289C>T, p.Pro430Leu (NM_001382784.1, NM_001382786.1); c.1247C>T, p.Pro416Leu (NM_001382787.1); c.1163C>T, p.Pro388Leu (NM_001382791.1); c.992C>T, p.Pro331Leu (NM_001382799.1); c.914C>T, p.Pro305Leu (NM_001382802.1); and 1 more; short protein forms P115L, P388L, P391L, P416L, P430L, P305L, P331L, P361L.
Identifiers: ClinVar variation 2169247 (VCV002169247.4), dbSNP rs748700504, ClinGen allele CA8533894.

ClinVar aggregate classification (germline): Uncertain significance (1 of 4 stars; one submission).

Allele frequency attached by ClinVar (database versions not stated): ExAC 0.00001; gnomAD 0.00001; TOPMed 0.00004.
gnomAD v4.1: 29 of 1,613,898 alleles (0.0018%); highest among the groups gnomAD compares: Middle Eastern, 0.016%; no homozygotes.

Submission:

Labcorp Genetics (formerly Invitae), Labcorp
Classification: Uncertain significance. Last evaluated: 2024-11-20. Review status: criteria provided, single submitter. Criteria: Invitae Variant Classification Sherloc (09022015). Collection method: clinical testing. Allele origin: germline.
Comment: This sequence change replaces proline, which is neutral and non-polar, with leucine, which is neutral and non-polar, at codon 391 of the ERBB2 protein (p.Pro391Leu). This variant is present in population databases (rs748700504, gnomAD 0.01%). This variant has not been reported in the literature in individuals affected with ERBB2-related conditions. ClinVar contains an entry for this variant (Variation ID: 2169247). Invitae Evidence Modeling of protein sequence and biophysical properties (such as structural, functional, and spatial information, amino acid conservation, physicochemical variation, residue mobility, and thermodynamic stability) indicates that this missense variant is not expected to disrupt ERBB2 protein function with a negative predictive value of 80%. In summary, the available evidence is currently insufficient to determine the role of this variant in disease. Therefore, it has been classified as a Variant of Uncertain Significance.